The following is an entry in ClinVar:

NM_000038.6(APC):c.3691C>T (p.Leu1231Phe)

Gene: APC (APC regulator of Wnt signaling pathway; plus strand). Cytogenetic location: 5q22.2.
Variant type: single nucleotide variant.
Coding change: c.3691C>T on transcript NM_000038.6 (MANE Select); coding-DNA position 3691, C replaced by T.
Protein change: p.Leu1231Phe; replaces leucine 1231 with phenylalanine.
Molecular consequence: missense variant.
Genome position (GRCh38, 1-based): chr5:112,839,285, C>T. VCF-style: chr5-112839285-C-T. GRCh37 (hg19) VCF-style: chr5-112174982-C-T.
Other names: c.3691C>T, p.Leu1231Phe (NM_001127510.3, NM_001354895.2); c.3637C>T, p.Leu1213Phe (NM_001127511.3); c.3745C>T, p.Leu1249Phe (NM_001354896.2); c.3721C>T, p.Leu1241Phe (NM_001354897.2); c.3616C>T, p.Leu1206Phe (NM_001354898.2); c.3607C>T, p.Leu1203Phe (NM_001354899.2); c.3568C>T, p.Leu1190Phe (NM_001354900.2); c.3514C>T, p.Leu1172Phe (NM_001354901.2); and 5 more; short protein forms L1213F, L1231F, L1140F, L1249F, L1105F, L1172F, L1190F, L1071F.
Identifiers: ClinVar variation 243108 (VCV000243108.13), dbSNP rs573020080, ClinGen allele CA036283.

ClinVar aggregate classification (germline): Conflicting classifications of pathogenicity. Review status: criteria provided, conflicting classifications (1 of 4 stars). 4 submissions from 4 submitters: Uncertain significance (3); Likely benign (1). Last evaluated 2025-12-09.

Conditions:
Classic or attenuated familial adenomatous polyposis. Identifiers: MedGen CN372698, MONDO:0021057.
Hereditary cancer-predisposing syndrome. Also called: Tumor predisposition; Neoplastic Syndromes, Hereditary; Hereditary Cancer Syndrome; Hereditary neoplastic syndrome. Identifiers: Orphanet 140162, MedGen C0027672, MeSH D009386, MONDO:0015356.
Familial adenomatous polyposis 1 (FAP1). Also called: POLYPOSIS, ADENOMATOUS INTESTINAL; FAMILIAL ADENOMATOUS POLYPOSIS 1, ATTENUATED. Identifiers: MedGen C2713442, MONDO:0021056, OMIM 175100. Disease mechanism: loss of function.

Allele frequency attached by ClinVar (database versions not stated): gnomAD below 0.00001 and 0.00002; ExAC 0.00002; gnomAD exomes 0.00002; 1000 Genomes Project 30x 0.00016; 1000 Genomes Project 0.00020.
gnomAD v4.1: 20 of 1,614,156 alleles (0.0012%); highest among the groups gnomAD compares: South Asian, 0.018%; no homozygotes.

Submissions (4):

Labcorp Genetics (formerly Invitae), Labcorp
Classification: Uncertain significance for Familial adenomatous polyposis 1. Last evaluated: 2025-12-09. Review status: criteria provided, single submitter. Criteria: Invitae Variant Classification Sherloc (09022015). Collection method: clinical testing. Allele origin: germline.
Comment: This sequence change replaces leucine, which is neutral and non-polar, with phenylalanine, which is neutral and non-polar, at codon 1231 of the APC protein (p.Leu1231Phe). This variant is present in population databases (rs573020080, gnomAD 0.01%). This missense change has been observed in individual(s) with clinical features of familial adenomatous polyposis (internal data). ClinVar contains an entry for this variant (Variation ID: 243108). Invitae Evidence Modeling of protein sequence and biophysical properties (such as structural, functional, and spatial information, amino acid conservation, physicochemical variation, residue mobility, and thermodynamic stability) indicates that this missense variant is not expected to disrupt APC protein function with a negative predictive value of 95%. In summary, the available evidence is currently insufficient to determine the role of this variant in disease. Therefore, it has been classified as a Variant of Uncertain Significance.

All of Us Research Program, National Institutes of Health
Classification: Uncertain significance for Classic or attenuated familial adenomatous polyposis. Last evaluated: 2023-08-15. Review status: criteria provided, single submitter. Criteria: ACMG Guidelines, 2015. Collection method: clinical testing. Allele origin: germline. Inheritance: Autosomal dominant inheritance. Observed: 1 variant allele, 1 heterozygote.
Comment: This missense variant replaces leucine with phenylalanine at codon 1231 of the APC protein. Computational prediction suggests that this variant may not impact protein structure and function (internally defined REVEL score threshold <= 0.5, PMID: 27666373). To our knowledge, functional studies have not been reported for this variant. This variant has not been reported in individuals affected with APC-related disorders in the literature. This variant has been identified in 4/249968 chromosomes in the general population by the Genome Aggregation Database (gnomAD). The available evidence is insufficient to determine the role of this variant in disease conclusively. Therefore, this variant is classified as a Variant of Uncertain Significance.

This study involves interpretation of variants in research participants for the purpose of population health screening. Participant phenotype was not available at the time of variant classification. Additional details can be found in publication PMID: 35346344, PMCID: PMC8962531

Ambry Genetics
Classification: Likely benign for Hereditary cancer-predisposing syndrome. Last evaluated: 2021-03-17. Review status: criteria provided, single submitter. Criteria: Ambry Variant Classification Scheme 2023. Collection method: clinical testing. Allele origin: germline.

GeneDx
Classification: Uncertain significance. Last evaluated: 2015-10-06. Review status: criteria provided, single submitter. Criteria: GeneDx Variant Classification (06012015). Collection method: clinical testing. Allele origin: germline. Affected: yes.
Comment: This variant is denoted APC c.3691C>T at the cDNA level, p.Leu1231Phe (L1231F) at the protein level, and results in the change of a Leucine to a Phenylalanine (CTC>TTC). This variant has not, to our knowledge, been published in the literature as pathogenic or benign. APC Leu1231Phe was not observed at a significant allele frequency in 1000 Genomes. Since Leucine and Phenylalanine share similar properties, this is considered a conservative amino acid substitution. APC Leu1231Phe occurs at a position that is not conserved across species and is located in the region responsible for down-regulation through a process mediated by direct ubiquitination (UniProt). In silico analyses are inconsistent regarding the effect this variant may have on protein structure and function. Based on currently available information, it is unclear whether APC Leu1231Phe is pathogenic or benign. We consider it to be a variant of uncertain significance.